The following is an entry in ClinVar:

NM_004991.4(MECOM):c.3248A>G (p.Asp1083Gly)

Gene: MECOM (MDS1 and EVI1 complex locus; minus strand). Cytogenetic location: 3q26.2.
Variant type: single nucleotide variant.
Coding change: c.3248A>G on transcript NM_004991.4 (MANE Select); coding-DNA position 3248, A replaced by G.
Protein change: p.Asp1083Gly; replaces aspartic acid 1083 with glycine.
Molecular consequence: missense variant.
Genome position (GRCh38, 1-based): chr3:169,090,153, T>C on the plus strand (A>G on the coding strand, the complement: MECOM is on the minus strand). VCF-style: chr3-169090153-T-C. GRCh37 (hg19) VCF-style: chr3-168807941-T-C.
Other names: c.2879A>G, p.Asp960Gly (NM_001105077.4); c.2684A>G, p.Asp895Gly (NM_001105078.4, NM_001205194.2, NM_001366469.2 and 1 more transcripts); c.2660A>G, p.Asp887Gly (NM_001163999.2, NM_001366470.2); c.2657A>G, p.Asp886Gly (NM_001164000.2, NM_001366471.2, NM_001366472.2); c.3221A>G, p.Asp1074Gly (NM_001366466.2); c.2687A>G, p.Asp896Gly (NM_001366467.2, NM_001366468.2); c.2249A>G, p.Asp750Gly (NM_001366473.2); c.1685A>G, p.Asp562Gly (NM_001366474.2); short protein forms D1074G, D1083G, D562G, D750G, D886G, D887G, D895G, D896G.
Identifiers: ClinVar variation 4859728 (VCV004859728.1).

ClinVar aggregate classification (germline): Uncertain significance (1 of 4 stars; one submission).

Conditions:
Inborn genetic diseases. Identifiers: MedGen C0950123, MeSH D030342.

Submission:

Ambry Genetics
Classification: Uncertain significance for Inborn genetic diseases. Last evaluated: 2026-04-08. Review status: criteria provided, single submitter. Criteria: Ambry Variant Classification Scheme 2023. Collection method: clinical testing. Allele origin: germline.
Comment: The p.D1083G variant (also known as c.3248A>G), located in coding exon 15 of the MECOM gene, results from an A to G substitution at nucleotide position 3248. The aspartic acid at codon 1083 is replaced by glycine, an amino acid with similar properties. This amino acid position is conserved. In addition, this alteration is predicted to be tolerated by in silico analysis. Based on the available evidence, the clinical significance of this variant remains unclear.